The following is an entry in ClinVar:

ClinVar aggregate classification (germline): Uncertain significance (1 of 4 stars; one submission).

gnomAD v4.1: 1 of 1,614,030 alleles (0.000062%); highest among the groups gnomAD compares: African/African-American, 0.0013%; no homozygotes.

Submission:

Ambry Genetics
Classification: Uncertain significance. Last evaluated: 2022-03-23. Review status: criteria provided, single submitter. Criteria: Ambry Variant Classification Scheme 2023. Collection method: clinical testing. Allele origin: germline.
Comment: The p.G823R variant (also known as c.2467G>A), located in coding exon 24 of the NEBL gene, results from a G to A substitution at nucleotide position 2467. The glycine at codon 823 is replaced by arginine, an amino acid with dissimilar properties. This amino acid position is conserved. In addition, the in silico prediction for this alteration is inconclusive. Since supporting evidence is limited at this time, the clinical significance of this alteration remains unclear.

NM_006393.3(NEBL):c.2467G>A (p.Gly823Arg)

Gene: NEBL (nebulette; minus strand). Cytogenetic location: 10p12.31.
Variant type: single nucleotide variant.
Coding change: c.2467G>A on transcript NM_006393.3 (MANE Select); coding-DNA position 2467, G replaced by A.
Protein change: p.Gly823Arg; replaces glycine 823 with arginine.
Molecular consequence: missense variant.
Genome position (GRCh38, 1-based): chr10:20,812,820, C>T on the plus strand (G>A on the coding strand, the complement: NEBL is on the minus strand). VCF-style: chr10-20812820-C-T. GRCh37 (hg19) VCF-style: chr10-21101749-C-T.
Other names: c.478G>A, p.Gly160Arg (NM_001173484.2, NM_001377322.1, NM_213569.2); c.430G>A, p.Gly144Arg (NM_001377323.1); c.421G>A, p.Gly141Arg (NM_001377324.1); c.412G>A, p.Gly138Arg (NM_001377325.1); c.370G>A, p.Gly124Arg (NM_001377326.1, NM_001377327.1, NM_001377328.1); short protein forms G138R, G144R, G823R, G124R, G141R, G160R.
Identifiers: ClinVar variation 1791704 (VCV001791704.2), dbSNP rs146601168, ClinGen allele CA376093281.